The following is an entry in ClinVar:

NM_000186.4(CFH):c.1007A>T (p.Tyr336Phe)

Gene: CFH (complement factor H; plus strand). Cytogenetic location: 1q31.3.
Variant type: single nucleotide variant.
Coding change: c.1007A>T on transcript NM_000186.4 (MANE Select); coding-DNA position 1007, A replaced by T.
Protein change: p.Tyr336Phe; replaces tyrosine 336 with phenylalanine.
Molecular consequence: missense variant.
Genome position (GRCh38, 1-based): chr1:196,689,462, A>T. VCF-style: chr1-196689462-A-T. GRCh37 (hg19) VCF-style: chr1-196658592-A-T.
Other names: c.1007A>T, p.Tyr336Phe (NM_001014975.3); short protein forms Y336F.
Identifiers: ClinVar variation 1482011 (VCV001482011.8), dbSNP rs2149088208, ClinGen allele CA343979641.

ClinVar aggregate classification (germline): Uncertain significance (1 of 4 stars; one submission).

Submission:

Labcorp Genetics (formerly Invitae), Labcorp
Classification: Uncertain significance. Last evaluated: 2021-05-06. Review status: criteria provided, single submitter. Criteria: Invitae Variant Classification Sherloc (09022015). Collection method: clinical testing. Allele origin: germline.
Comment: This variant is not present in population databases (ExAC no frequency). In summary, the available evidence is currently insufficient to determine the role of this variant in disease. Therefore, it has been classified as a Variant of Uncertain Significance. Algorithms developed to predict the effect of missense changes on protein structure and function are either unavailable or do not agree on the potential impact of this missense change (SIFT: "Deleterious"; PolyPhen-2: "Benign"; Align-GVGD: "Class C0"). This variant has not been reported in the literature in individuals with CFH-related conditions. This sequence change replaces tyrosine with phenylalanine at codon 336 of the CFH protein (p.Tyr336Phe). The tyrosine residue is moderately conserved and there is a small physicochemical difference between tyrosine and phenylalanine.